The following is an entry in ClinVar:

NM_014363.6(SACS):c.12991C>T (p.Arg4331Trp)

Gene: SACS (sacsin molecular chaperone; minus strand). Cytogenetic location: 13q12.12.
Variant type: single nucleotide variant.
Coding change: c.12991C>T on transcript NM_014363.6 (MANE Select); coding-DNA position 12991, C replaced by T.
Protein change: p.Arg4331Trp; replaces arginine 4331 with tryptophan.
Molecular consequence: missense variant.
Genome position (GRCh38, 1-based): chr13:23,330,885, G>A on the plus strand (C>T on the coding strand, the complement: SACS is on the minus strand). VCF-style: chr13-23330885-G-A. GRCh37 (hg19) VCF-style: chr13-23905024-G-A.
Other names: c.12550C>T, p.Arg4184Trp (NM_001278055.2); short protein forms R4331W, R4184W.
Identifiers: ClinVar variation 553688 (VCV000553688.5), dbSNP rs1555249369, ClinGen allele CA387506252.
Genomic context (GRCh38, chr13:23,330,885, plus strand): 5'-CTTCATTGGCAATGTCATGGTTCTCTGGATTTTTGTCAGGATGCCATTTCAAATACAACC[G>A]CCTAATAATCTTTTTTCGTTCCGATTCTGGAAGCTTCCATGCTTGCTCCACCACAGATGT-3'
Protein context (NP_055178.3, residues 4321-4341): PESERKKIIR[Arg4331Trp]LYLKWHPDKN

ClinVar aggregate classification (germline): Uncertain significance. Review status: criteria provided, multiple submitters, no conflicts (2 of 4 stars). 4 submissions from 4 submitters: Uncertain significance (3). 1 of the submissions does not count toward it. Last evaluated 2025-10-10.

Conditions:
Spastic paraplegia. Identifiers: MedGen C0037772, HP:0001258.
Charlevoix-Saguenay spastic ataxia (SACS). Also called: Spastic ataxia of Charlevoix-Saguenay; AUTOSOMAL RECESSIVE SPASTIC ATAXIA OF CHARLEVOIX-SAGUENAY; SPASTIC ATAXIA 6, AUTOSOMAL RECESSIVE. Identifiers: Orphanet 98, MedGen C1849140, MONDO:0010041, OMIM 270550.

Submissions (4):

Labcorp Genetics (formerly Invitae), Labcorp
Classification: Uncertain significance for Spastic paraplegia. Last evaluated: 2025-10-10. Review status: criteria provided, single submitter. Criteria: Invitae Variant Classification Sherloc (09022015). Collection method: clinical testing. Allele origin: germline.
Comment: This sequence change replaces arginine, which is basic and polar, with tryptophan, which is neutral and slightly polar, at codon 4331 of the SACS protein (p.Arg4331Trp). This variant is not present in population databases (gnomAD no frequency). This missense change has been observed in individual(s) with autosomal recessive spastic ataxia of Charlevoix-Saguenay (PMID: 22816526). ClinVar contains an entry for this variant (Variation ID: 553688). Invitae Evidence Modeling of protein sequence and biophysical properties (such as structural, functional, and spatial information, amino acid conservation, physicochemical variation, residue mobility, and thermodynamic stability) has been performed for this missense variant. However, the output from this modeling did not meet the statistical confidence thresholds required to predict the impact of this variant on SACS protein function. This variant disrupts the p.Arg4331 amino acid residue in SACS. Other variant(s) that disrupt this residue have been observed in individuals with SACS-related conditions (PMID: 18465152), which suggests that this may be a clinically significant amino acid residue. In summary, the available evidence is currently insufficient to determine the role of this variant in disease. Therefore, it has been classified as a Variant of Uncertain Significance.

Women's Health and Genetics/Laboratory Corporation of America, LabCorp
Classification: Uncertain significance. Last evaluated: 2024-11-01. Review status: criteria provided, single submitter. Criteria: LabCorp Variant Classification Summary - May 2015. Collection method: clinical testing. Allele origin: germline.
Comment: Variant summary: SACS c.12991C>T (p.Arg4331Trp) results in a non-conservative amino acid change located in the DnaJ domain (IPR001623) of the encoded protein sequence. Five of five in-silico tools predict a damaging effect of the variant on protein function. The variant was absent in 249792 control chromosomes. c.12991C>T has been reported in the literature in individuals affected with Autosomal Recessive Spastic Ataxia Of Charlevoix-Saguenay (Prodi_2013, Galatolo_2024). These data indicate that the variant may be associated with disease. To our knowledge, no experimental evidence demonstrating an impact on protein function has been reported. The following publications have been ascertained in the context of this evaluation (PMID: 38911600, 22816526). ClinVar contains an entry for this variant (Variation ID: 553688). Based on the evidence outlined above, the variant was classified as VUS-possibly pathogenic.

PROSPAX: an integrated multimodal progression  chart in spastic ataxias, Center for Neurology; Hertie-Institute for Clinical Brain Research
Classification: Uncertain significance for Charlevoix-Saguenay spastic ataxia. Last evaluated: 2022-01-01. Review status: criteria provided, single submitter. Criteria: ACMG Guidelines, 2015. Collection method: research. Allele origin: germline. Affected: yes. Observed: 1 variant allele, 1 compound heterozygote.

Counsyl
Classification: Uncertain significance for Charlevoix-Saguenay spastic ataxia. Last evaluated: 2017-09-12. Review status: no assertion criteria provided. Collection method: clinical testing. Allele origin: unknown. Not counted in ClinVar's aggregate classification.

Literature cited by the submitters: PubMed 22816526 (cited by 3 submitters); PubMed 18465152 (cited by Labcorp Genetics (formerly Invitae), Labcorp); PubMed 38911600 (cited by Women's Health and Genetics/Laboratory Corporation of America, LabCorp).